The following is an entry in ClinVar:

NM_020719.3(PRR12):c.3387C>T (p.Arg1129=)

Gene: PRR12 (proline rich 12; plus strand). Cytogenetic location: 19q13.33.
Variant type: single nucleotide variant.
Coding change: c.3387C>T on transcript NM_020719.3 (MANE Select); coding-DNA position 3387, C replaced by T.
Protein change: p.Arg1129=; no amino-acid change (arginine 1129 retained).
Molecular consequence: synonymous variant.
Genome position (GRCh38, 1-based): chr19:49,597,722, C>T. VCF-style: chr19-49597722-C-T. GRCh37 (hg19) VCF-style: chr19-50100979-C-T.
Identifiers: ClinVar variation 3036968 (VCV003036968.2), dbSNP rs202151966, ClinGen allele CA9578284.

ClinVar aggregate classification (germline): Likely benign (0 of 4 stars; one submission).

Conditions:
PRR12-related disorder. Also called: PRR12-related condition.

Allele frequency attached by ClinVar (database versions not stated): ExAC 0.00012; 1000 Genomes Project 0.00020; 1000 Genomes Project 30x 0.00031; TOPMed 0.00037; gnomAD 0.00044; ESP Exome Variant Server 0.00058.
gnomAD v4.1: 113 of 1,608,060 alleles (0.007%); highest among the groups gnomAD compares: African/African-American, 0.14%; no homozygotes.

Submission:

PreventionGenetics, part of Exact Sciences
Classification: Likely benign for PRR12-related condition. Last evaluated: 2024-02-21. Review status: no assertion criteria provided. Collection method: clinical testing. Allele origin: germline.
Comment: This variant is classified as likely benign based on ACMG/AMP sequence variant interpretation guidelines (Richards et al. 2015 PMID: 25741868, with internal and published modifications).